The following is an entry in ClinVar:

NM_025114.4(CEP290):c.1626T>G (p.Ile542Met)

Gene: CEP290 (centrosomal protein 290; minus strand). Cytogenetic location: 12q21.32.
Variant type: single nucleotide variant.
Coding change: c.1626T>G on transcript NM_025114.4 (MANE Select); coding-DNA position 1626, T replaced by G.
Protein change: p.Ile542Met; replaces isoleucine 542 with methionine.
Molecular consequence: missense variant.
Genome position (GRCh38, 1-based): chr12:88,118,568, A>C on the plus strand (T>G on the coding strand, the complement: CEP290 is on the minus strand). VCF-style: chr12-88118568-A-C. GRCh37 (hg19) VCF-style: chr12-88512345-A-C.
Other names: c.1626T>G (NM_025114.3); short protein forms I542M.
Identifiers: ClinVar variation 1000685 (VCV001000685.13), dbSNP rs762272190, ClinGen allele CA6712503.

ClinVar aggregate classification (germline): Uncertain significance. Review status: criteria provided, multiple submitters, no conflicts (2 of 4 stars). 5 submissions from 5 submitters: Uncertain significance (3). 2 of the submissions do not count toward it. Last evaluated 2024-09-11.

Conditions:
Leber congenital amaurosis (LCA). Also called: Leber's amaurosis. Identifiers: Orphanet 65, MedGen C0339527, MeSH D057130, MONDO:0018998.
CEP290-related disorder. Also called: CEP290-related condition; CEP290-related disorders. Identifiers: MedGen CN239314.
Joubert syndrome. Also called: JOUBERT-BOLTSHAUSER SYNDROME; Familial aplasia of the vermis. Identifiers: Orphanet 475, MedGen C5979921, MONDO:0018772.
Nephronophthisis. Also called: Juvenile Nephronophthisis. Identifiers: Orphanet 655, MedGen C0687120, MONDO:0019005, HP:0000090.
Meckel-Gruber syndrome. Also called: DYSENCEPHALIA SPLANCHNOCYSTICA; GRUBER SYNDROME; Dysencephalia splachnocystica. Identifiers: Orphanet 564, MedGen C0265215, MONDO:0018921.
Inborn genetic diseases. Identifiers: MedGen C0950123, MeSH D030342.

Allele frequency attached by ClinVar (database versions not stated): gnomAD 0.00001; TOPMed 0.00001.
gnomAD v4.1: 20 of 1,601,376 alleles (0.0012%); highest among the groups gnomAD compares: Non-Finnish European, 0.0016%; no homozygotes.

Submissions (5):

Blueprint Genetics
Classification: Uncertain significance. Last evaluated: 2024-09-11. Review status: criteria provided, single submitter. Criteria: ACMG Guidelines, 2015. Collection method: clinical testing. Allele origin: germline.

Labcorp Genetics (formerly Invitae), Labcorp
Classification: Uncertain significance for Joubert syndrome; Meckel-Gruber syndrome; Nephronophthisis. Last evaluated: 2023-12-07. Review status: criteria provided, single submitter. Criteria: Invitae Variant Classification Sherloc (09022015). Collection method: clinical testing. Allele origin: germline.
Comment: This sequence change replaces isoleucine, which is neutral and non-polar, with methionine, which is neutral and non-polar, at codon 542 of the CEP290 protein (p.Ile542Met). This variant is present in population databases (rs762272190, gnomAD 0.007%). This variant has not been reported in the literature in individuals affected with CEP290-related conditions. ClinVar contains an entry for this variant (Variation ID: 1000685). An algorithm developed to predict the effect of missense changes on protein structure and function (PolyPhen-2) suggests that this variant is likely to be disruptive. In summary, the available evidence is currently insufficient to determine the role of this variant in disease. Therefore, it has been classified as a Variant of Uncertain Significance.

Ambry Genetics
Classification: Uncertain significance for Inborn genetic diseases. Last evaluated: 2022-09-29. Review status: criteria provided, single submitter. Criteria: Ambry Variant Classification Scheme 2023. Collection method: clinical testing. Allele origin: germline.

PreventionGenetics, part of Exact Sciences
Classification: Uncertain significance for CEP290-related condition. Last evaluated: 2024-06-30. Review status: no assertion criteria provided. Collection method: clinical testing. Allele origin: germline. Not counted in ClinVar's aggregate classification.
Comment: The CEP290 c.1626T>G variant is predicted to result in the amino acid substitution p.Ile542Met. To our knowledge, this variant has not been reported in the literature. This variant is reported in 0.0069% of alleles in individuals of African descent in gnomAD. At this time, the clinical significance of this variant is uncertain due to the absence of conclusive functional and genetic evidence.

Natera, Inc.
Classification: Uncertain significance for Leber congenital amaurosis. Last evaluated: 2020-06-01. Review status: no assertion criteria provided. Collection method: clinical testing. Allele origin: germline. Not counted in ClinVar's aggregate classification.